The following is an entry in ClinVar:

ClinVar aggregate classification (germline): Uncertain significance (1 of 4 stars; one submission).

Conditions:
Emery-Dreifuss muscular dystrophy 4, autosomal dominant (EDMD4). Also called: EMERY-DREIFUSS MUSCULAR DYSTROPHY 4 WITH VARIABLE FEATURES. Identifiers: Orphanet 261, MedGen C2751807, MONDO:0013071, OMIM 612998.
Autosomal recessive ataxia, Beauce type. Also called: Spinocerebellar ataxia, autosomal recessive 8; ATAXIA, RECESSIVE, OF BEAUCE; SYNE1-Related Autosomal Recessive Cerebellar Ataxia; SYNE1 Deficiency. Identifiers: Orphanet 88644, MedGen C1853116, MONDO:0012549, OMIM 610743.

Allele frequency attached by ClinVar (database versions not stated): gnomAD exomes below 0.00001; TOPMed below 0.00001.
gnomAD v4.1: 1 of 1,613,846 alleles (0.000062%); highest among the groups gnomAD compares: Admixed American, 0.0017%; no homozygotes.

Submission:

Labcorp Genetics (formerly Invitae), Labcorp
Classification: Uncertain significance for Emery-Dreifuss muscular dystrophy 4, autosomal dominant; Autosomal recessive ataxia, Beauce type. Last evaluated: 2022-07-06. Review status: criteria provided, single submitter. Criteria: Invitae Variant Classification Sherloc (09022015). Collection method: clinical testing. Allele origin: germline.
Comment: This variant is present in population databases (no rsID available, gnomAD 0.003%). This sequence change replaces valine, which is neutral and non-polar, with leucine, which is neutral and non-polar, at codon 2105 of the SYNE1 protein (p.Val2105Leu). This variant has not been reported in the literature in individuals affected with SYNE1-related conditions. Algorithms developed to predict the effect of missense changes on protein structure and function are either unavailable or do not agree on the potential impact of this missense change (SIFT: "Deleterious"; PolyPhen-2: "Benign"; Align-GVGD: "Class C0"). In summary, the available evidence is currently insufficient to determine the role of this variant in disease. Therefore, it has been classified as a Variant of Uncertain Significance.

NM_182961.4(SYNE1):c.6292G>C (p.Val2098Leu)

Gene: SYNE1 (spectrin repeat containing nuclear envelope protein 1; minus strand). Cytogenetic location: 6q25.2.
Variant type: single nucleotide variant.
Coding change: c.6292G>C on transcript NM_182961.4 (MANE Select); coding-DNA position 6292, G replaced by C.
Protein change: p.Val2098Leu; replaces valine 2098 with leucine.
Molecular consequence: missense variant.
Genome position (GRCh38, 1-based): chr6:152,409,648, C>G on the plus strand (G>C on the coding strand, the complement: SYNE1 is on the minus strand). VCF-style: chr6-152409648-C-G. GRCh37 (hg19) VCF-style: chr6-152730783-C-G.
Other names: c.6313G>C, p.Val2105Leu (NM_033071.5); short protein forms V2105L, V2098L.
Identifiers: ClinVar variation 2200975 (VCV002200975.4), dbSNP rs794727674, ClinGen allele CA366127461.